The following is an entry in ClinVar:

ClinVar aggregate classification (germline): Uncertain significance (1 of 4 stars; one submission).

Conditions:
Werner syndrome (WRN). Identifiers: Orphanet 902, MedGen C0043119, MONDO:0010196, OMIM 277700.

Submission:

Labcorp Genetics (formerly Invitae), Labcorp
Classification: Uncertain significance for Werner syndrome. Last evaluated: 2022-05-11. Review status: criteria provided, single submitter. Criteria: Invitae Variant Classification Sherloc (09022015). Collection method: clinical testing. Allele origin: germline.
Comment: In summary, the available evidence is currently insufficient to determine the role of this variant in disease. Therefore, it has been classified as a Variant of Uncertain Significance. Algorithms developed to predict the effect of missense changes on protein structure and function are either unavailable or do not agree on the potential impact of this missense change (SIFT: "Not Available"; PolyPhen-2: "Possibly Damaging"; Align-GVGD: "Not Available"). This variant has not been reported in the literature in individuals affected with WRN-related conditions. This variant is not present in population databases (gnomAD no frequency). This sequence change replaces alanine, which is neutral and non-polar, with valine, which is neutral and non-polar, at codon 1277 of the WRN protein (p.Ala1277Val).

NM_000553.6(WRN):c.3830C>T (p.Ala1277Val)

Gene: WRN (WRN RecQ like helicase; plus strand). Cytogenetic location: 8p12.
Variant type: single nucleotide variant.
Coding change: c.3830C>T on transcript NM_000553.6 (MANE Select); coding-DNA position 3830, C replaced by T.
Protein change: p.Ala1277Val; replaces alanine 1277 with valine.
Molecular consequence: missense variant.
Genome position (GRCh38, 1-based): chr8:31,157,378, C>T. VCF-style: chr8-31157378-C-T. GRCh37 (hg19) VCF-style: chr8-31014894-C-T.
Other names: short protein forms A1277V.
Identifiers: ClinVar variation 2161519 (VCV002161519.4), dbSNP rs199849137, ClinGen allele CA370929295.